The following is an entry in ClinVar:

NM_014915.3(ANKRD26):c.1031T>G (p.Leu344Arg)

Gene: ANKRD26 (ankyrin repeat domain containing 26; minus strand). Cytogenetic location: 10p12.1.
Variant type: single nucleotide variant.
Coding change: c.1031T>G on transcript NM_014915.3 (MANE Select); coding-DNA position 1031, T replaced by G.
Protein change: p.Leu344Arg; replaces leucine 344 with arginine.
Molecular consequence: missense variant.
Genome position (GRCh38, 1-based): chr10:27,077,384, A>C on the plus strand (T>G on the coding strand, the complement: ANKRD26 is on the minus strand). VCF-style: chr10-27077384-A-C. GRCh37 (hg19) VCF-style: chr10-27366313-A-C.
Other names: c.1031T>G, p.Leu344Arg (NM_001256053.2); short protein forms L344R.
Identifiers: ClinVar variation 4104527 (VCV004104527.1).

ClinVar aggregate classification (germline): Uncertain significance (1 of 4 stars; one submission).

Conditions:
Inborn genetic diseases. Identifiers: MedGen C0950123, MeSH D030342.

gnomAD v4.1: 2 of 1,614,084 alleles (0.00012%); highest among the groups gnomAD compares: Non-Finnish European, 0.00017%; no homozygotes.

Submission:

Ambry Genetics
Classification: Uncertain significance for Inborn genetic diseases. Last evaluated: 2025-08-28. Review status: criteria provided, single submitter. Criteria: Ambry Variant Classification Scheme 2023. Collection method: clinical testing. Allele origin: germline.
Comment: The p.L344R variant (also known as c.1031T>G), located in coding exon 9 of the ANKRD26 gene, results from a T to G substitution at nucleotide position 1031. The leucine at codon 344 is replaced by arginine, an amino acid with dissimilar properties. This amino acid position is conserved. In addition, this alteration is predicted to be tolerated by in silico analysis. Based on the available evidence, the clinical significance of this variant remains unclear.